The following is an entry in ClinVar:

NM_000179.3(MSH6):c.3380C>A (p.Ala1127Asp)

Gene: MSH6 (mutS homolog 6; plus strand). Cytogenetic location: 2p16.3.
Variant type: single nucleotide variant.
Coding change: c.3380C>A on transcript NM_000179.3 (MANE Select); coding-DNA position 3380, C replaced by A.
Protein change: p.Ala1127Asp; replaces alanine 1127 with aspartic acid.
Molecular consequence: missense variant. On other transcripts: non-coding transcript variant (5).
Genome position (GRCh38, 1-based): chr2:47,803,627, C>A. VCF-style: chr2-47803627-C-A. GRCh37 (hg19) VCF-style: chr2-48030766-C-A.
Other names: c.3380C>A, p.Ala1127Asp (NM_001406809.1, NM_001406796.1, NM_001406800.1 and 1 more transcripts); c.2474C>A, p.Ala825Asp (NM_001406811.1, NM_001406812.1, NM_001406814.1 and 6 more transcripts); c.3386C>A, p.Ala1129Asp (NM_001406813.1); c.1814C>A, p.Ala605Asp (NM_001406817.1); c.3083C>A, p.Ala1028Asp (NM_001406818.1, NM_001406821.1, NM_001406822.1 and 10 more transcripts); c.2990C>A, p.Ala997Asp (NM_001281492.2); c.3476C>A, p.Ala1159Asp (NM_001406795.1, NM_001406802.1); c.3206C>A, p.Ala1069Asp (NM_001406798.1); and 7 more; short protein forms A76D, A997D, A1071D, A1101D, A442D, A54D, A825D, A839D.
Identifiers: ClinVar variation 2773660 (VCV002773660.3), dbSNP rs1572735927, ClinGen allele CA346758823.

ClinVar aggregate classification (germline): Uncertain significance. Review status: criteria provided, multiple submitters, no conflicts (2 of 4 stars). 2 submissions from 2 submitters: Uncertain significance (2). Last evaluated 2024-03-07.

Conditions:
Hereditary cancer-predisposing syndrome. Also called: Hereditary neoplastic syndrome; Hereditary Cancer Syndrome; Neoplastic Syndromes, Hereditary; Tumor predisposition. Identifiers: Orphanet 140162, MedGen C0027672, MeSH D009386, MONDO:0015356.

Submissions (2):

Color Diagnostics, LLC DBA Color Health
Classification: Uncertain significance for Hereditary cancer-predisposing syndrome. Last evaluated: 2024-03-07. Review status: criteria provided, single submitter. Criteria: ACMG Guidelines, 2015. Collection method: clinical testing. Allele origin: germline.
Comment: This missense variant replaces alanine with aspartic acid at codon 1127 of the MSH6 protein. Computational prediction suggests that this variant may have deleterious impact on protein structure and function (internally defined REVEL score threshold >= 0.7, PMID: 27666373). To our knowledge, functional studies have not been reported for this variant. This variant has not been reported in individuals affected with hereditary cancer in the literature. This variant has not been identified in the general population by the Genome Aggregation Database (gnomAD). The available evidence is insufficient to determine the role of this variant in disease conclusively. Therefore, this variant is classified as a Variant of Uncertain Significance.

Ambry Genetics
Classification: Uncertain significance for Hereditary cancer-predisposing syndrome. Last evaluated: 2024-01-21. Review status: criteria provided, single submitter. Criteria: Ambry Variant Classification Scheme 2023. Collection method: clinical testing. Allele origin: germline.
Comment: The p.A1127D variant (also known as c.3380C>A), located in coding exon 5 of the MSH6 gene, results from a C to A substitution at nucleotide position 3380. The alanine at codon 1127 is replaced by aspartic acid, an amino acid with dissimilar properties. This amino acid position is conserved. In addition, this alteration is predicted to be deleterious by in silico analysis. Based on the available evidence, the clinical significance of this alteration remains unclear.